The following is an entry in ClinVar:

ClinVar aggregate classification (germline): Uncertain significance. Review status: criteria provided, multiple submitters, no conflicts (2 of 4 stars). 2 submissions from 2 submitters: Uncertain significance (2). Last evaluated 2024-11-21.

Conditions:
Inborn genetic diseases. Identifiers: MedGen C0950123, MeSH D030342.

Allele frequency attached by ClinVar (database versions not stated): gnomAD exomes 0.00001; ExAC 0.00002; gnomAD 0.00002 and 0.00003; TOPMed 0.00003.
gnomAD v4.1: 25 of 1,613,948 alleles (0.0015%); highest among the groups gnomAD compares: South Asian, 0.0033%; no homozygotes.

Submissions (2):

Ambry Genetics
Classification: Uncertain significance for Inborn genetic diseases. Last evaluated: 2024-11-21. Review status: criteria provided, single submitter. Criteria: Ambry Variant Classification Scheme 2023. Collection method: clinical testing. Allele origin: germline.

Labcorp Genetics (formerly Invitae), Labcorp
Classification: Uncertain significance. Last evaluated: 2022-05-19. Review status: criteria provided, single submitter. Criteria: Invitae Variant Classification Sherloc (09022015). Collection method: clinical testing. Allele origin: germline.
Comment: This sequence change replaces proline, which is neutral and non-polar, with leucine, which is neutral and non-polar, at codon 102 of the FERMT1 protein (p.Pro102Leu). This variant is present in population databases (rs777516456, gnomAD 0.003%). This variant has not been reported in the literature in individuals affected with FERMT1-related conditions. ClinVar contains an entry for this variant (Variation ID: 1061388). Algorithms developed to predict the effect of missense changes on protein structure and function (SIFT, PolyPhen-2, Align-GVGD) all suggest that this variant is likely to be disruptive. In summary, the available evidence is currently insufficient to determine the role of this variant in disease. Therefore, it has been classified as a Variant of Uncertain Significance.

NM_017671.5(FERMT1):c.305C>T (p.Pro102Leu)

Gene: FERMT1 (FERM domain containing kindlin 1; minus strand). Cytogenetic location: 20p12.3.
Variant type: single nucleotide variant.
Coding change: c.305C>T on transcript NM_017671.5 (MANE Select); coding-DNA position 305, C replaced by T.
Protein change: p.Pro102Leu; replaces proline 102 with leucine.
Molecular consequence: missense variant.
Genome position (GRCh38, 1-based): chr20:6,115,891, G>A on the plus strand (C>T on the coding strand, the complement: FERMT1 is on the minus strand). VCF-style: chr20-6115891-G-A. GRCh37 (hg19) VCF-style: chr20-6096538-G-A.
Other names: c.305C>T (NM_017671.4); short protein forms P102L.
Identifiers: ClinVar variation 1061388 (VCV001061388.7), dbSNP rs777516456, ClinGen allele CA9758492.
Genomic context (GRCh38, chr20:6,115,891, plus strand): 5'-CTGACAGCTTTAAAAACCACAGCTGAGAAGCTGACTCGCAACCTCACCATCTTCAAATTC[G>A]GCAGACGAAGGCGCAGCATTTTATGCTGAGGGGTGAAGAGAAGCTTTGCATCTGCCTGGA-3'
Protein context (NP_060141.3, residues 92-112): PQHKMLRLRL[Pro102Leu]NLKMVRLRVS